The following is an entry in ClinVar:

ClinVar aggregate classification (germline): Uncertain significance (1 of 4 stars; one submission).

Conditions:
Nephronophthisis. Also called: Juvenile Nephronophthisis. Identifiers: Orphanet 655, MedGen C0687120, MONDO:0019005, HP:0000090.

Allele frequency attached by ClinVar (database versions not stated): gnomAD exomes below 0.00001.
gnomAD v4.1: 1 of 1,613,962 alleles (0.000062%); highest among the groups gnomAD compares: African/African-American, 0.0013%; no homozygotes.

Submission:

Labcorp Genetics (formerly Invitae), Labcorp
Classification: Uncertain significance for Nephronophthisis. Last evaluated: 2022-07-25. Review status: criteria provided, single submitter. Criteria: Invitae Variant Classification Sherloc (09022015). Collection method: clinical testing. Allele origin: germline.
Comment: In summary, the available evidence is currently insufficient to determine the role of this variant in disease. Therefore, it has been classified as a Variant of Uncertain Significance. Algorithms developed to predict the effect of missense changes on protein structure and function (SIFT, PolyPhen-2, Align-GVGD) all suggest that this variant is likely to be tolerated. ClinVar contains an entry for this variant (Variation ID: 942175). This variant has not been reported in the literature in individuals affected with IQCB1-related conditions. This variant is present in population databases (no rsID available, gnomAD 0.007%). This sequence change replaces arginine, which is basic and polar, with lysine, which is basic and polar, at codon 425 of the IQCB1 protein (p.Arg425Lys).

NM_001023570.4(IQCB1):c.1274G>A (p.Arg425Lys)

Gene: IQCB1 (IQ motif containing B1; minus strand). Cytogenetic location: 3q13.33.
Variant type: single nucleotide variant.
Coding change: c.1274G>A on transcript NM_001023570.4 (MANE Select); coding-DNA position 1274, G replaced by A.
Protein change: p.Arg425Lys; replaces arginine 425 with lysine.
Molecular consequence: missense variant. On other transcripts: non-coding transcript variant (1).
Genome position (GRCh38, 1-based): chr3:121,788,288, C>T on the plus strand (G>A on the coding strand, the complement: IQCB1 is on the minus strand). VCF-style: chr3-121788288-C-T. GRCh37 (hg19) VCF-style: chr3-121507135-C-T.
Other names: c.875G>A, p.Arg292Lys (NM_001023571.4); c.1274G>A, p.Arg425Lys (NM_001319107.2); short protein forms R292K, R425K.
Identifiers: ClinVar variation 942175 (VCV000942175.9), dbSNP rs1450149889, ClinGen allele CA354115375.